The following continues an entry in ClinVar:

NM_007294.4(BRCA1):c.2269del (p.Val757fs)

Gene: BRCA1. ClinVar aggregate classification (germline): Pathogenic. Pathogenic (1).

Submissions 11 to 21 of 21:

Department of Molecular Diagnostics, Institute of Oncology Ljubljana
Classification: Pathogenic for Breast-ovarian cancer, familial, susceptibility to, 1. Last evaluated: 2020-04-02. Review status: criteria provided, single submitter. Criteria: ACMG Guidelines, 2015. Collection method: clinical testing. Allele origin: germline. Affected: yes. Not counted in ClinVar's aggregate classification.

Women's Health and Genetics/Laboratory Corporation of America, LabCorp
Classification: Pathogenic for Hereditary breast and ovarian cancer syndrome. Last evaluated: 2019-05-23. Review status: criteria provided, single submitter. Criteria: LabCorp Variant Classification Summary - May 2015. Collection method: clinical testing. Allele origin: germline. Not counted in ClinVar's aggregate classification.
Comment: Variant summary: BRCA1 c.2269delG (p.Val757PhefsX8) results in a premature termination codon, predicted to cause a truncation of the encoded protein or absence of the protein due to nonsense mediated decay, which are commonly known mechanisms for disease. Truncations downstream of this position have been classified as pathogenic by our laboratory. The variant allele was found at a frequency of 4e-06 in 251198 control chromosomes. c.2269delG has been reported in the literature in individuals affected with Hereditary Breast and Ovarian Cancer (Kowalick_2018, Rebbeck_2018). These data indicate that the variant may be associated with disease. To our knowledge, no experimental evidence demonstrating an impact on protein function has been reported. Seven clinical diagnostic laboratories have submitted clinical-significance assessments for this variant to ClinVar after 2014 without evidence for independent evaluation. All laboratories classified the variant as pathogenic. Based on the evidence outlined above, the variant was classified as pathogenic.

CHEO Genetics Diagnostic Laboratory, Children's Hospital of Eastern Ontario
Classification: Pathogenic for Breast and/or ovarian cancer. Last evaluated: 2017-10-24. Review status: criteria provided, single submitter. Criteria: ACMG Guidelines, 2015. Collection method: clinical testing. Allele origin: germline. Study: Canadian Open Genetics Repository. Not counted in ClinVar's aggregate classification.

Consortium of Investigators of Modifiers of BRCA1/2 (CIMBA), c/o University of Cambridge
Classification: Pathogenic for Breast-ovarian cancer, familial, susceptibility to, 1. Last evaluated: 2015-10-02. Review status: criteria provided, single submitter. Criteria: CIMBA Mutation Classification guidelines May 2016. Collection method: clinical testing. Allele origin: germline. Not counted in ClinVar's aggregate classification.

Cancer Genomics Lab, PINUM Cancer Hospital
Classification: Pathogenic for Hereditary breast ovarian cancer syndrome. Last evaluated: 2023-03-31. Review status: no assertion criteria provided. Collection method: clinical testing. Allele origin: germline. Affected: yes. Not counted in ClinVar's aggregate classification.

BRCAlab, Lund University
Classification: Pathogenic for Breast-ovarian cancer, familial, susceptibility to, 1. Last evaluated: 2020-03-02. Review status: no assertion criteria provided. Collection method: clinical testing. Allele origin: germline. Affected: yes. Not counted in ClinVar's aggregate classification.

Mayo Clinic Laboratories, Mayo Clinic
Classification: Pathogenic. Last evaluated: 2017-03-29. Review status: no assertion criteria provided. Collection method: clinical testing. Allele origin: unknown. Not counted in ClinVar's aggregate classification.

Research Molecular Genetics Laboratory, Women's College Hospital, University of Toronto
Classification: Pathogenic for Hereditary breast ovarian cancer syndrome. Last evaluated: 2014-01-31. Review status: no assertion criteria provided. Collection method: research. Allele origin: germline. Affected: yes. Study: The Canadian Open Genetics Repository (COGR). Not counted in ClinVar's aggregate classification.

Sharing Clinical Reports Project (SCRP)
Classification: Pathogenic for Breast-ovarian cancer, familial 1. Last evaluated: 2009-12-14. Review status: no assertion criteria provided. Collection method: clinical testing. Allele origin: germline. Not counted in ClinVar's aggregate classification.

Breast Cancer Information Core (BIC) (BRCA1)
Classification: Pathogenic for Breast-ovarian cancer, familial 1. Last evaluated: 2002-05-29. Review status: no assertion criteria provided. Collection method: clinical testing. Allele origin: germline. Affected: yes. Observed: 10 variant alleles. Not counted in ClinVar's aggregate classification.

Department of Pathology and Laboratory Medicine, Sinai Health System
Classification: Pathogenic. Review status: no assertion criteria provided. Collection method: clinical testing. Allele origin: unknown. Affected: yes. Study: The Canadian Open Genetics Repository (COGR). Not counted in ClinVar's aggregate classification.
Comment: The BRCA1 p.Val757PhefsX8 variant was identified in 5 of 830 proband chromosomes (frequency: 0.006) from individuals or families with ovarian and breast cancers of French ethnicity (Berchuck_1998, Sobol_1996, Stoppa-Lyonnet_1997). The variant was also identified in dbSNP (ID: rs80357583) as â€šÃ„ÃºWith Pathogenic alleleâ€šÃ„Ã¹; in Clinvar as Pathogenic by Evidence-based Network for the Interpretation of Germline Mutant Alleles (ENIGMA) Study description, by the Consortium of Investigators of Modifiers of BRCA1/2 University of Cambridge, by Ambry Genetics, by Breast Cancer Information Core; and Sharing Clinical Reports Project. The variant was also identified in Cosmic, UMD 46x with a casual classification, in BIC 10X as class 5 casual, and in ARUP Laboratories BRCA Mutations Database as definitely pathogenic. The variant was further identified in the Exome Aggregation Consortium database (August 8, 2016) in 2 of 121384 chromosomes (frequency: 0.00002) in the following populations: South Asian in 1 of 16508 chromosomes (frequency: 0.00006), European (Non-Finnish) in 1 of 66726 chromosomes (frequency: 0.00002) but was not seen in African, East Asian, European (Finnish) and Latino populations. The variant was not identified in LOVD-IARC, GeneInsight COGR, Fanconi Anemia Mutation Databases, the 1000 Genomes Project and the NHLBI GO Exome Sequencing Project. The variant occurs outside of the splicing consensus sequence and in silico or computational prediction software programs (SpliceSiteFinder, MaxEntScan, NNSPLICE, GeneSplicer, HumanSpliceFinder) do not predict a difference in splicing. The c.2269delG variant is predicted to cause a frameshift, which alters the protein's amino acid sequence beginning at codon 757 and leads to a premature stop codon 8 codons downstream. This alteration is then predicted to result in a truncated or absent protein and loss of function. Loss of function variants of the BRCA1 gene are an established mechanism of disease in hereditary breast and ovarian cancer and is the type of variant expected to cause the disorder. In summary, based on the above information, this variant meets our laboratoryâ€šÃ„Ã´s criteria to be classified as pathogenic.

Literature cited by the submitters: PubMed 20104584 (cited by Labcorp Genetics (formerly Invitae), Labcorp); PubMed 9150149 (cited by 4 submitters); PubMed 25863477 (cited by 3 submitters); PubMed 26306726 (cited by Labcorp Genetics (formerly Invitae), Labcorp and Quest Diagnostics Nichols Institute San Juan Capistrano); PubMed 27553291 (cited by Labcorp Genetics (formerly Invitae), Labcorp and Quest Diagnostics Nichols Institute San Juan Capistrano); PubMed 8764110 (cited by Color Diagnostics, LLC DBA Color Health and Ambry Genetics); PubMed 12181777 (cited by Color Diagnostics, LLC DBA Color Health and Ambry Genetics); PubMed 16998791 (cited by Color Diagnostics, LLC DBA Color Health); PubMed 21232165 (cited by Color Diagnostics, LLC DBA Color Health and Ambry Genetics); PubMed 30040829 (cited by 3 submitters); PubMed 27062684 (cited by Quest Diagnostics Nichols Institute San Juan Capistrano); PubMed 30014164 (cited by Quest Diagnostics Nichols Institute San Juan Capistrano); PubMed 31825140 (cited by Quest Diagnostics Nichols Institute San Juan Capistrano); PubMed 29922827 (cited by Quest Diagnostics Nichols Institute San Juan Capistrano); PubMed 28888541 (cited by Quest Diagnostics Nichols Institute San Juan Capistrano); PubMed 31528241 (cited by Quest Diagnostics Nichols Institute San Juan Capistrano); PubMed 35377489 (cited by Quest Diagnostics Nichols Institute San Juan Capistrano); PubMed 31742824 (cited by Quest Diagnostics Nichols Institute San Juan Capistrano); PubMed 29470806 (cited by Quest Diagnostics Nichols Institute San Juan Capistrano); PubMed 28724667 (cited by Quest Diagnostics Nichols Institute San Juan Capistrano); PubMed 29446198 (cited by Women's Health and Genetics/Laboratory Corporation of America, LabCorp).